The following is an entry in ClinVar:

ClinVar aggregate classification (germline): Uncertain significance (1 of 4 stars; one submission).

Allele frequency attached by ClinVar (database versions not stated): TOPMed 0.00005; gnomAD 0.00007; ExAC 0.00009; gnomAD exomes 0.00011; ESP Exome Variant Server 0.00023.

Submission:

Labcorp Genetics (formerly Invitae), Labcorp
Classification: Uncertain significance. Last evaluated: 2022-03-30. Review status: criteria provided, single submitter. Criteria: Invitae Variant Classification Sherloc (09022015). Collection method: clinical testing. Allele origin: germline.
Comment: This sequence change replaces alanine, which is neutral and non-polar, with threonine, which is neutral and polar, at codon 1642 of the COL27A1 protein (p.Ala1642Thr). This variant is present in population databases (rs142807384, gnomAD 0.01%). This variant has not been reported in the literature in individuals affected with COL27A1-related conditions. Advanced modeling of protein sequence and biophysical properties (such as structural, functional, and spatial information, amino acid conservation, physicochemical variation, residue mobility, and thermodynamic stability) performed at Invitae indicates that this missense variant is not expected to disrupt COL27A1 protein function. In summary, the available evidence is currently insufficient to determine the role of this variant in disease. Therefore, it has been classified as a Variant of Uncertain Significance.

NM_032888.4(COL27A1):c.4924G>A (p.Ala1642Thr)

Gene: COL27A1 (collagen type XXVII alpha 1 chain; plus strand). Cytogenetic location: 9q32.
Variant type: single nucleotide variant.
Coding change: c.4924G>A on transcript NM_032888.4 (MANE Select); coding-DNA position 4924, G replaced by A.
Protein change: p.Ala1642Thr; replaces alanine 1642 with threonine.
Molecular consequence: missense variant.
Genome position (GRCh38, 1-based): chr9:114,304,659, G>A. VCF-style: chr9-114304659-G-A. GRCh37 (hg19) VCF-style: chr9-117066939-G-A.
Other names: short protein forms A1642T.
Identifiers: ClinVar variation 2199029 (VCV002199029.1), dbSNP rs142807384, ClinGen allele CA5203214.
Genomic context (GRCh38, chr9:114,304,659, plus strand): 5'-CTTGCCCAGCAACAAGATGATCTTGGGGCAGCTTTCCAGACGTGGATGGACACCAGTGGA[G>A]CACTCAGGCCAGAGGTATCTCCAGGGGCTCTCCCCATGTGGGATCCCTTCCTGGGAGAAA-3'
Protein context (NP_116277.2, residues 1632-1652): AFQTWMDTSG[Ala1642Thr]LRPESYSYPD